The following is an entry in ClinVar:

NM_139314.3(ANGPTL4):c.630G>A (p.Pro210=)

Gene: ANGPTL4 (angiopoietin like 4; plus strand). Cytogenetic location: 19p13.2.
Variant type: single nucleotide variant.
Coding change: c.630G>A on transcript NM_139314.3 (MANE Select); coding-DNA position 630, G replaced by A.
Protein change: p.Pro210=; no amino-acid change (proline 210 retained).
Molecular consequence: synonymous variant. On other transcripts: intron variant (1).
Genome position (GRCh38, 1-based): chr19:8,369,301, G>A. VCF-style: chr19-8369301-G-A. GRCh37 (hg19) VCF-style: chr19-8434185-G-A.
Other names: c.548-1755G>A (NM_001039667.3).
Identifiers: ClinVar variation 3041796 (VCV003041796.2), dbSNP rs35571542, ClinGen allele CA9156024.

ClinVar aggregate classification (germline): Benign (0 of 4 stars; one submission).

Conditions:
ANGPTL4-related disorder. Also called: ANGPTL4-related condition.

Allele frequency attached by ClinVar (database versions not stated): ExAC 0.01136; gnomAD 0.03074; ESP Exome Variant Server 0.03398; TOPMed 0.03418; 1000 Genomes Project 0.03634; 1000 Genomes Project 30x 0.03935.
gnomAD v4.1: 9,909 of 1,611,874 alleles (0.61%); highest among the groups gnomAD compares: African/African-American, 11%; 464 homozygotes.

Submission:

PreventionGenetics, part of Exact Sciences
Classification: Benign for ANGPTL4-related condition. Last evaluated: 2019-11-26. Review status: no assertion criteria provided. Collection method: clinical testing. Allele origin: germline.
Comment: This variant is classified as benign based on ACMG/AMP sequence variant interpretation guidelines (Richards et al. 2015 PMID: 25741868, with internal and published modifications).